The following is an entry in ClinVar:

NM_001851.6(COL9A1):c.876+2T>A

Gene: COL9A1 (collagen type IX alpha 1 chain; minus strand). Cytogenetic location: 6q13.
Variant type: single nucleotide variant.
Coding change: c.876+2T>A on transcript NM_001851.6 (MANE Select); the canonical splice donor site of the intron after coding-DNA position 876, T replaced by A.
Molecular consequence: splice donor variant.
Genome position (GRCh38, 1-based): chr6:70,281,388, A>T on the plus strand (T>A on the coding strand, the complement: COL9A1 is on the minus strand). VCF-style: chr6-70281388-A-T. GRCh37 (hg19) VCF-style: chr6-70991091-A-T.
Other names: c.147+2T>A (NM_001377290.1, NM_078485.4, NM_001377289.1); c.876+2T>A (NM_001377291.1).
Identifiers: ClinVar variation 374336 (VCV000374336.63), dbSNP rs149830493, ClinGen allele CA3882632.

ClinVar aggregate classification (germline): Conflicting classifications of pathogenicity. Review status: criteria provided, conflicting classifications (1 of 4 stars). 9 submissions from 8 submitters: Pathogenic (1); Likely pathogenic (4); Uncertain significance (2). 2 of the submissions do not count toward it. Last evaluated 2026-09-14.

Conditions:
COL9A1-related disorder. Also called: COL9A1-related disorders; COL9A1-related condition.
Epiphyseal dysplasia, multiple, 6. Also called: COL9A1-Related Multiple Epiphyseal Dysplasia. Identifiers: MedGen C2675767, MONDO:0013591, OMIM 614135.
Stickler syndrome, type 4 (STL4). Identifiers: Orphanet 250984, Orphanet 828, MedGen C3279941, MONDO:0013590, OMIM 614134.

Allele frequency attached by ClinVar (database versions not stated): ESP Exome Variant Server 0.00015; gnomAD exomes 0.00018 and 0.00007; ExAC 0.00005; TOPMed 0.00011; gnomAD 0.00013.
gnomAD v4.1: 274 of 1,611,000 alleles (0.017%); highest among the groups gnomAD compares: Non-Finnish European, 0.022%; no homozygotes.

Submissions (9):

GeneDx
Classification: Uncertain significance. Last evaluated: 2026-09-14. Review status: criteria provided, single submitter. Criteria: GeneDx Variant Classification Process June 2021. Collection method: clinical testing. Allele origin: germline.
Comment: Canonical splice site variant predicted to result in an in-frame loss of the adjacent exon in a gene for which loss of function is a known mechanism of disease; Identified in patients from large cohorts undergoing whole exome or whole genome sequencing in the literature, but additional clinical information and familial segregation data were not provided (PMID: 27959697, 31980526); Reported in a patient born small for gestational age (PMID: 37019085); This variant is associated with the following publications: (PMID: 31980526, 37019085, 27959697, 41856555)

Labcorp Genetics (formerly Invitae), Labcorp
Classification: Likely pathogenic. Last evaluated: 2025-12-23. Review status: criteria provided, single submitter. Criteria: Invitae Variant Classification Sherloc (09022015). Collection method: clinical testing. Allele origin: germline.
Comment: This sequence change affects a donor splice site in intron 8 of the COL9A1 gene. It is expected to disrupt RNA splicing. Variants that disrupt the donor or acceptor splice site typically lead to a loss of protein function (PMID: 16199547), and loss-of-function variants in COL9A1 are known to be pathogenic (PMID: 16909383, 21421862). This variant is present in population databases (rs149830493, gnomAD 0.01%). Disruption of this splice site has been observed in individual(s) with COL9A1-related conditions (PMID: 37019085). ClinVar contains an entry for this variant (Variation ID: 374336). Algorithms developed to predict the effect of sequence changes on RNA splicing suggest that this variant may disrupt the consensus splice site. In summary, the currently available evidence indicates that the variant is pathogenic, but additional data are needed to prove that conclusively. Therefore, this variant has been classified as Likely Pathogenic.

Blueprint Genetics
Classification: Uncertain significance. Last evaluated: 2024-05-27. Review status: criteria provided, single submitter. Criteria: ACMG Guidelines, 2015. Collection method: clinical testing. Allele origin: germline.

Women's Health and Genetics/Laboratory Corporation of America, LabCorp
Classification: Likely pathogenic for COL9A1-Related Disorders. Last evaluated: 2022-08-29. Review status: criteria provided, single submitter. Criteria: LabCorp Variant Classification Summary - May 2015. Collection method: clinical testing. Allele origin: germline.
Comment: Variant summary: COL9A1 c.876+2T>A is located in a canonical splice-site and is predicted to affect mRNA splicing resulting in a significantly altered protein due to either exon skipping, shortening, or inclusion of intronic material. Several computational tools predict a significant impact on normal splicing: four predict the variant abolishes a 5 prime splicing donor site. However, these predictions have yet to be confirmed by functional studies. The variant allele was found at a frequency of 6.8e-05 in 250662 control chromosomes. c.876+2T>A has been reported in the literature in one individual affected with COL9A1-Related Disorder. This report does not provide unequivocal conclusions about association of the variant with COL9A1-Related Disorders. To our knowledge, no experimental evidence demonstrating an impact on protein function has been reported. Six clinical diagnostic laboratories have submitted clinical-significance assessments for this variant to ClinVar after 2014 without evidence for independent evaluation (pathogenic/likely pathogenic n=5, VUS n=1). Based on the evidence outlined above, the variant was classified as likely pathogenic.

Revvity Omics, Revvity
Classification: Likely pathogenic. Last evaluated: 2020-10-09. Review status: criteria provided, single submitter. Criteria: ACMG Guidelines, 2015. Collection method: clinical testing. Allele origin: germline.

Baylor Genetics
Classification: Pathogenic for Stickler syndrome, type 4. Last evaluated: 2018-11-03. Review status: criteria provided, single submitter. Criteria: ACMG Guidelines, 2015. Collection method: clinical testing. Allele origin: unknown. Affected: yes.
Comment: This variant was determined to be pathogenic according to ACMG Guidelines, 2015 [PMID:25741868]. This variant has been previously reported as pathogenic [PMID 27959697]

CeGaT Center for Human Genetics Tuebingen
Classification: Likely pathogenic. Last evaluated: 2016-06-01. Review status: criteria provided, single submitter. Criteria: CeGaT Center For Human Genetics Tuebingen Variant Classification Criteria Version 2. Collection method: clinical testing. Allele origin: germline. Affected: yes. Observed: 1 variant allele.

PreventionGenetics, part of Exact Sciences
Classification: Uncertain significance for COL9A1-related condition. Last evaluated: 2024-09-18. Review status: no assertion criteria provided. Collection method: clinical testing. Allele origin: germline. Not counted in ClinVar's aggregate classification.
Comment: The COL9A1 c.876+2T>A variant is predicted to disrupt the GT donor site and interfere with normal splicing. However, other studies have demonstrated an autosomal recessive inheritance for Stickler syndrome with a loss-of-function mutation in COL9A1 (Van Camp et al. 2006. PubMed ID: 16909383; Nikopoulos et al. 2011. PubMed ID: 21421862). This variant is reported in 0.014% of alleles in individuals of European (Non-Finnish) descent in gnomAD. Although we suspect that this variant may be pathogenic, at this time, the clinical significance of this variant is uncertain due to the absence of conclusive functional and genetic evidence.

Baylor Genetics
Classification: Pathogenic for Epiphyseal dysplasia, multiple, 6. Last evaluated: 2016-05-01. Review status: no assertion criteria provided. Collection method: clinical testing. Allele origin: germline. Inheritance: Autosomal dominant inheritance. Affected: yes. Not counted in ClinVar's aggregate classification.

Literature cited by the submitters: PubMed 16199547 (cited by Labcorp Genetics (formerly Invitae), Labcorp); PubMed 16909383 (cited by Labcorp Genetics (formerly Invitae), Labcorp); PubMed 21421862 (cited by Labcorp Genetics (formerly Invitae), Labcorp); PubMed 37019085 (cited by Labcorp Genetics (formerly Invitae), Labcorp); PubMed 27959697 (cited by Women's Health and Genetics/Laboratory Corporation of America, LabCorp and Baylor Genetics).